The following is an entry in ClinVar:

NM_000092.5(COL4A4):c.2276C>T (p.Pro759Leu)

Gene: COL4A4 (collagen type IV alpha 4 chain; minus strand). Cytogenetic location: 2q36.3.
Variant type: single nucleotide variant.
Coding change: c.2276C>T on transcript NM_000092.5 (MANE Select); coding-DNA position 2276, C replaced by T.
Protein change: p.Pro759Leu; replaces proline 759 with leucine.
Molecular consequence: missense variant.
Genome position (GRCh38, 1-based): chr2:227,059,512, G>A on the plus strand (C>T on the coding strand, the complement: COL4A4 is on the minus strand). VCF-style: chr2-227059512-G-A. GRCh37 (hg19) VCF-style: chr2-227924228-G-A.
Other names: short protein forms P759L.
Identifiers: ClinVar variation 255019 (VCV000255019.29), dbSNP rs36121515, ClinGen allele CA2144849.

ClinVar aggregate classification (germline): Benign. Review status: criteria provided, multiple submitters, no conflicts (2 of 4 stars). 12 submissions from 12 submitters: Benign (9). 3 of the submissions do not count toward it. Last evaluated 2026-02-04.

Conditions:
Alport syndrome. Also called: Hemorrhagic familial nephritis; Hemorrhagic hereditary nephritis; Congenital hereditary hematuria. Identifiers: Orphanet 63, MedGen C1567741, MONDO:0018965.
Atypical hemolytic-uremic syndrome. Identifiers: Orphanet 2134, MedGen C2931788, MONDO:0016244.

Allele frequency attached by ClinVar (database versions not stated): gnomAD exomes 0.00260 and 0.00652; ExAC 0.00777; gnomAD 0.02529 and 0.02697; 1000 Genomes Project 0.02636; ESP Exome Variant Server 0.02651; TOPMed 0.02833; 1000 Genomes Project 30x 0.02842.
gnomAD v4.1: 7,799 of 1,614,026 alleles (0.48%); highest among the groups gnomAD compares: African/African-American, 8.9%; 323 homozygotes.

Submissions (12):

Labcorp Genetics (formerly Invitae), Labcorp
Classification: Benign. Last evaluated: 2026-02-04. Review status: criteria provided, single submitter. Criteria: Invitae Variant Classification Sherloc (09022015). Collection method: clinical testing. Allele origin: germline.

Mayo Clinic Laboratories, Mayo Clinic
Classification: Benign. Last evaluated: 2023-04-20. Review status: criteria provided, single submitter. Criteria: ACMG Guidelines, 2015. Collection method: clinical testing. Allele origin: germline. Observed: 7 variant alleles.
Comment: BA1, BS2

Genome Diagnostics Laboratory, The Hospital for Sick Children
Classification: Benign for Atypical hemolytic-uremic syndrome. Last evaluated: 2022-08-06. Review status: criteria provided, single submitter. Criteria: ACMG Guidelines, 2015. Collection method: clinical testing. Allele origin: germline.

Athena Diagnostics
Classification: Benign. Last evaluated: 2019-03-12. Review status: criteria provided, single submitter. Criteria: Athena Diagnostics Criteria. Collection method: clinical testing. Allele origin: germline.

Illumina Laboratory Services, Illumina
Classification: Benign for Alport syndrome. Last evaluated: 2018-01-13. Review status: criteria provided, single submitter. Criteria: ICSL Variant Classification Criteria 13 December 2019. Collection method: clinical testing. Allele origin: germline.
Comment: This variant was observed in the ICSL laboratory as part of a predisposition screen in an ostensibly healthy population. It had not been previously curated by ICSL or reported in the Human Gene Mutation Database (HGMD: prior to June 1st, 2018), and was therefore a candidate for classification through an automated scoring system. Utilizing variant allele frequency, disease prevalence and penetrance estimates, and inheritance mode, an automated score was calculated to assess if this variant is too frequent to cause the disease. Based on the score and internal cut-off values, a variant classified as benign is not then subjected to further curation. The score for this variant resulted in a classification of benign for this disease.

GeneDx
Classification: Benign. Last evaluated: 2017-10-09. Review status: criteria provided, single submitter. Criteria: GeneDx Variant Classification (06012015). Collection method: clinical testing. Allele origin: germline. Affected: yes.
Comment: This variant is considered likely benign or benign based on one or more of the following criteria: it is a conservative change, it occurs at a poorly conserved position in the protein, it is predicted to be benign by multiple in silico algorithms, and/or has population frequency not consistent with disease.

Laboratory for Molecular Medicine, Mass General Brigham Personalized Medicine
Classification: Benign. Last evaluated: 2016-03-21. Review status: criteria provided, single submitter. Criteria: LMM Criteria. Collection method: clinical testing. Allele origin: germline. Observed: 4 variant alleles.
Comment: p.Pro759Leu in exon 28 of COL4A4: This variant is not expected to have clinical significance because it has been identified in 8.87% (867/9776) of African chrom osomes by the Exome Aggregation Consortium (ExAC ; dbSNP rs36121515).

Breakthrough Genomics
Classification: Benign. Review status: criteria provided, single submitter. Criteria: ACMG Guidelines, 2015. Collection method: not provided. Allele origin: germline. Inheritance: Autosomal recessive inheritance. Affected: yes.

PreventionGenetics, part of Exact Sciences
Classification: Benign. Review status: criteria provided, single submitter. Criteria: ACMG Guidelines, 2015. Collection method: clinical testing. Allele origin: germline.

Natera, Inc.
Classification: Benign for Alport syndrome. Last evaluated: 2020-09-16. Review status: no assertion criteria provided. Collection method: clinical testing. Allele origin: germline. Not counted in ClinVar's aggregate classification.

Genome Diagnostics Laboratory, University Medical Center Utrecht
Classification: Benign. Review status: no assertion criteria provided. Collection method: clinical testing. Allele origin: germline. Affected: yes. Study: VKGL Data-share Consensus. Not counted in ClinVar's aggregate classification.

Joint Genome Diagnostic Labs from Nijmegen and Maastricht, Radboudumc and MUMC+
Classification: Likely benign. Review status: no assertion criteria provided. Collection method: clinical testing. Allele origin: germline. Affected: yes. Study: VKGL Data-share Consensus. Not counted in ClinVar's aggregate classification.

Literature cited by the submitters: PubMed 17216251 (cited by Mayo Clinic Laboratories, Mayo Clinic).